The following is an entry in ClinVar:

ClinVar aggregate classification (germline): Uncertain significance (1 of 4 stars; one submission).

Conditions:
BAP1-related tumor predisposition syndrome (TPDS1). Also called: Tumor susceptibility linked to germline BAP1 mutations; COMMON Syndrome; TUMOR PREDISPOSITION SYNDROME 1; BAP1 tumor predisposition syndrome. Identifiers: Orphanet 289539, MedGen C3280492, MONDO:0013692, OMIM 614327.

Submission:

Labcorp Genetics (formerly Invitae), Labcorp
Classification: Uncertain significance for BAP1-related tumor predisposition syndrome. Last evaluated: 2024-06-30. Review status: criteria provided, single submitter. Criteria: Invitae Variant Classification Sherloc (09022015). Collection method: clinical testing. Allele origin: germline.
Comment: This sequence change replaces glutamine, which is neutral and polar, with glutamic acid, which is acidic and polar, at codon 712 of the BAP1 protein (p.Gln712Glu). This variant is not present in population databases (gnomAD no frequency). This variant has not been reported in the literature in individuals affected with BAP1-related conditions. Advanced modeling of protein sequence and biophysical properties (such as structural, functional, and spatial information, amino acid conservation, physicochemical variation, residue mobility, and thermodynamic stability) performed at Invitae indicates that this missense variant is not expected to disrupt BAP1 protein function with a negative predictive value of 80%. In summary, the available evidence is currently insufficient to determine the role of this variant in disease. Therefore, it has been classified as a Variant of Uncertain Significance.

NM_004656.4(BAP1):c.2134C>G (p.Gln712Glu)

Gene: BAP1 (BRCA1 associated deubiquitinase 1; minus strand). Cytogenetic location: 3p21.1.
Variant type: single nucleotide variant.
Coding change: c.2134C>G on transcript NM_004656.4 (MANE Select); coding-DNA position 2134, C replaced by G.
Protein change: p.Gln712Glu; replaces glutamine 712 with glutamic acid.
Molecular consequence: missense variant.
Genome position (GRCh38, 1-based): chr3:52,402,344, G>C on the plus strand (C>G on the coding strand, the complement: BAP1 is on the minus strand). VCF-style: chr3-52402344-G-C. GRCh37 (hg19) VCF-style: chr3-52436360-G-C.
Other names: c.2080C>G, p.Gln694Glu (NM_001410772.1); short protein forms Q694E, Q712E.
Identifiers: ClinVar variation 3658250 (VCV003658250.2).